The following is an entry in ClinVar:

NM_016343.4(CENPF):c.1641A>G (p.Gln547=)

Gene: CENPF (centromere protein F; plus strand). Cytogenetic location: 1q41.
Variant type: single nucleotide variant.
Coding change: c.1641A>G on transcript NM_016343.4 (MANE Select); coding-DNA position 1641, A replaced by G.
Protein change: p.Gln547=; no amino-acid change (glutamine 547 retained).
Molecular consequence: synonymous variant.
Genome position (GRCh38, 1-based): chr1:214,639,979, A>G. VCF-style: chr1-214639979-A-G. GRCh37 (hg19) VCF-style: chr1-214813322-A-G.
Identifiers: ClinVar variation 1562623 (VCV001562623.12), dbSNP rs201426172, ClinGen allele CA1390134.

ClinVar aggregate classification (germline): Likely benign. Review status: criteria provided, multiple submitters, no conflicts (2 of 4 stars). 2 submissions from 2 submitters: Likely benign (2). Last evaluated 2026-02-01.

Allele frequency attached by ClinVar (database versions not stated): gnomAD exomes 0.00002 and 0.00003; TOPMed 0.00002; ExAC 0.00003; gnomAD 0.00003.
gnomAD v4.1: 35 of 1,576,136 alleles (0.0022%); highest among the groups gnomAD compares: Non-Finnish European, 0.0028%; no homozygotes.

Submissions (2):

CeGaT Center for Human Genetics Tuebingen
Classification: Likely benign. Last evaluated: 2026-02-01. Review status: criteria provided, single submitter. Criteria: CeGaT Center For Human Genetics Tuebingen Variant Classification Criteria Version 2. Collection method: clinical testing. Allele origin: germline. Affected: yes. Observed: 1 variant allele.
Comment: CENPF: BP4, BP7

Labcorp Genetics (formerly Invitae), Labcorp
Classification: Likely benign. Last evaluated: 2025-12-08. Review status: criteria provided, single submitter. Criteria: Invitae Variant Classification Sherloc (09022015). Collection method: clinical testing. Allele origin: germline.